The following is an entry in ClinVar:

ClinVar aggregate classification (germline): Benign. Review status: criteria provided, multiple submitters, no conflicts (2 of 4 stars). 3 submissions from 2 submitters: Benign (3). Last evaluated 2018-01-12.

Conditions:
Bardet-Biedl syndrome 6 (BBS6). Identifiers: Orphanet 110, MedGen C1858054, MONDO:0011523, OMIM 605231.
McKusick-Kaufman syndrome (MKKS). Also called: HYDROMETROCOLPOS SYNDROME; HYDROMETROCOLPOS, POSTAXIAL POLYDACTYLY, AND CONGENITAL HEART MALFORMATION. Identifiers: Orphanet 2473, MedGen C0948368, MONDO:0009367, OMIM 236700.

Allele frequency attached by ClinVar (database versions not stated): gnomAD exomes 0.12668; gnomAD 0.14136 and 0.14556; TOPMed 0.14454; 1000 Genomes Project 30x 0.19066; 1000 Genomes Project 0.19269.
gnomAD v4.1: 22,324 of 154,656 alleles (14%); highest among the groups gnomAD compares: East Asian, 24%; 1,807 homozygotes.

Submissions (3):

Illumina Laboratory Services, Illumina
Classification: Benign for Bardet-Biedl syndrome 6. Last evaluated: 2018-01-12. Review status: criteria provided, single submitter. Criteria: ICSL Variant Classification Criteria 13 December 2019. Collection method: clinical testing. Allele origin: germline.
Comment: This variant was observed in the ICSL laboratory as part of a predisposition screen in an ostensibly healthy population. It had not been previously curated by ICSL or reported in the Human Gene Mutation Database (HGMD: prior to June 1st, 2018), and was therefore a candidate for classification through an automated scoring system. Utilizing variant allele frequency, disease prevalence and penetrance estimates, and inheritance mode, an automated score was calculated to assess if this variant is too frequent to cause the disease. Based on the score and internal cut-off values, a variant classified as benign is not then subjected to further curation. The score for this variant resulted in a classification of benign for this disease.

Illumina Laboratory Services, Illumina
Classification: Benign for McKusick-Kaufman syndrome. Last evaluated: 2018-01-12. Review status: criteria provided, single submitter. Criteria: ICSL Variant Classification Criteria 13 December 2019. Collection method: clinical testing. Allele origin: germline.
Comment: the same text as in the submission from Illumina Laboratory Services, Illumina above.

Breakthrough Genomics
Classification: Benign. Review status: criteria provided, single submitter. Criteria: ACMG Guidelines, 2015. Collection method: not provided. Allele origin: germline. Inheritance: Autosomal recessive inheritance. Affected: yes.

NM_170784.3(MKKS):c.*435G>A

Gene: MKKS (MKKS centrosomal shuttling protein; minus strand). Cytogenetic location: 20p12.2.
Variant type: single nucleotide variant.
Coding change: c.*435G>A on transcript NM_170784.3 (MANE Select); 435 bases downstream of the stop codon, G replaced by A.
Molecular consequence: 3 prime UTR variant. On other transcripts: non-coding transcript variant (1).
Genome position (GRCh38, 1-based): chr20:10,404,812, C>T on the plus strand (G>A on the coding strand, the complement: MKKS is on the minus strand). VCF-style: chr20-10404812-C-T. GRCh37 (hg19) VCF-style: chr20-10385460-C-T.
Other names: c.*435G>A (NM_018848.3).
Identifiers: ClinVar variation 337685 (VCV000337685.6), dbSNP rs6108549, ClinGen allele CA10649325.